The following is an entry in ClinVar:

NM_001876.4(CPT1A):c.1449C>A (p.His483Gln)

Gene: CPT1A (carnitine palmitoyltransferase 1A; minus strand). Cytogenetic location: 11q13.3.
Variant type: single nucleotide variant.
Coding change: c.1449C>A on transcript NM_001876.4 (MANE Select); coding-DNA position 1449, C replaced by A.
Protein change: p.His483Gln; replaces histidine 483 with glutamine.
Molecular consequence: missense variant.
Genome position (GRCh38, 1-based): chr11:68,780,649, G>T on the plus strand (C>A on the coding strand, the complement: CPT1A is on the minus strand). VCF-style: chr11-68780649-G-T. GRCh37 (hg19) VCF-style: chr11-68548117-G-T.
Other names: c.1449C>A, p.His483Gln (NM_001031847.3); short protein forms H483Q.
Identifiers: ClinVar variation 848736 (VCV000848736.12), dbSNP rs1165511243, ClinGen allele CA381630689.

ClinVar aggregate classification (germline): Conflicting classifications of pathogenicity. Review status: criteria provided, conflicting classifications (1 of 4 stars). 4 submissions from 4 submitters: Likely pathogenic (1); Uncertain significance (2). 1 of the submissions does not count toward it. Last evaluated 2024-09-23.

Conditions:
Carnitine palmitoyl transferase 1A deficiency. Also called: CPT deficiency, hepatic, type IA; CPT I DEFICIENCY; CPT DEFICIENCY, HEPATIC, TYPE I; Carnitine palmitoyltransferase type I deficiency; Carnitine palmitoyltransferase 1A deficiency. Identifiers: Orphanet 156, MedGen C1829703, MONDO:0009705, OMIM 255120.
Inborn genetic diseases. Identifiers: MedGen C0950123, MeSH D030342.

Allele frequency attached by ClinVar (database versions not stated): gnomAD 0.00001; gnomAD exomes 0.00002; TOPMed 0.00002.
gnomAD v4.1: 25 of 1,613,854 alleles (0.0015%); highest among the groups gnomAD compares: Non-Finnish European, 0.0019%; no homozygotes.

Submissions (4):

Labcorp Genetics (formerly Invitae), Labcorp
Classification: Likely pathogenic for Carnitine palmitoyl transferase 1A deficiency. Last evaluated: 2024-09-23. Review status: criteria provided, single submitter. Criteria: Invitae Variant Classification Sherloc (09022015). Collection method: clinical testing. Allele origin: germline.
Comment: This sequence change replaces histidine, which is basic and polar, with glutamine, which is neutral and polar, at codon 483 of the CPT1A protein (p.His483Gln). This variant is not present in population databases (gnomAD no frequency). This missense change has been observed in individual(s) with carnitine palmitoyltransferase 1A deficiency (internal data). In at least one individual the data is consistent with being in trans (on the opposite chromosome) from a pathogenic variant. It has also been observed to segregate with disease in related individuals. ClinVar contains an entry for this variant (Variation ID: 848736). Invitae Evidence Modeling of protein sequence and biophysical properties (such as structural, functional, and spatial information, amino acid conservation, physicochemical variation, residue mobility, and thermodynamic stability) has been performed for this missense variant. However, the output from this modeling did not meet the statistical confidence thresholds required to predict the impact of this variant on CPT1A protein function. In summary, the currently available evidence indicates that the variant is pathogenic, but additional data are needed to prove that conclusively. Therefore, this variant has been classified as Likely Pathogenic.

Ambry Genetics
Classification: Uncertain significance for Inborn genetic diseases. Last evaluated: 2022-07-26. Review status: criteria provided, single submitter. Criteria: Ambry Variant Classification Scheme 2023. Collection method: clinical testing. Allele origin: germline.

GeneDx
Classification: Uncertain significance. Last evaluated: 2019-06-18. Review status: criteria provided, single submitter. Criteria: GeneDx Variant Classification Process June 2021. Collection method: clinical testing. Allele origin: germline. Affected: yes.
Comment: Not observed in large population cohorts (Lek et al., 2016); The majority of missense variants in this gene are considered pathogenic (Stenson et al., 2014); In silico analysis, which includes protein predictors and evolutionary conservation, supports a deleterious effect; Has not been previously published as pathogenic or benign to our knowledge

Natera, Inc.
Classification: Uncertain significance for Carnitine palmitoyltransferase type I deficiency. Last evaluated: 2020-02-26. Review status: no assertion criteria provided. Collection method: clinical testing. Allele origin: germline. Not counted in ClinVar's aggregate classification.